The following is an entry in ClinVar:

ClinVar aggregate classification (germline): Pathogenic/Likely pathogenic. Review status: criteria provided, multiple submitters, no conflicts (2 of 4 stars). 10 submissions from 10 submitters: Pathogenic (7); Likely pathogenic (1). 2 of the submissions do not count toward it. Last evaluated 2025-11-19.

Conditions:
O'Donnell-Luria-Rodan syndrome (ODLURO). Also called: KMT2E-Related Neurodevelopmental Disorder. Identifiers: MedGen C5193138, MONDO:0032793, OMIM 618512.
Inborn genetic diseases. Identifiers: MedGen C0950123, MeSH D030342.

Submissions (10):

3billion
Classification: Pathogenic for O'Donnell-Luria-Rodan syndrome. Last evaluated: 2025-11-19. Review status: criteria provided, single submitter. Criteria: ACMG Guidelines, 2015. Collection method: clinical testing. Allele origin: germline. Affected: yes.
Comment: The variant is not observed in the gnomAD v4.1.0 dataset. Predicted Consequence/Location: Frameshift: predicted to result in a loss or disruption of normal protein function through nonsense-mediated decay (NMD) or protein truncation. Multiple pathogenic variants are reported downstream of the variant. The variant has been previously reported as de novo in a similarly affected individual (PMID: 31079897). The variant has been observed in at least two similarly affected unrelated individuals (PMID: 31079897). The variant has been reported at least twice as pathogenic with clinical assertions and evidence for the classification (ClinVar ID: VCV000617565 /PMID: 31079897). Therefore, this variant is classified as Pathogenic according to the recommendation of ACMG/AMP guideline.

Ambry Genetics
Classification: Pathogenic for Inborn genetic diseases. Last evaluated: 2025-06-24. Review status: criteria provided, single submitter. Criteria: Ambry Variant Classification Scheme 2023. Collection method: clinical testing. Allele origin: germline.
Comment: The c.1776_1780delAAAGA (p.K593Rfs*17) alteration, located in exon 16 (coding exon 14) of the KMT2E gene, consists of a deletion of 5 nucleotides from position 1776 to 1780, causing a translational frameshift with a predicted alternate stop codon after 17 amino acids. This alteration is expected to result in loss of function by premature protein truncation or nonsense-mediated mRNA decay. This variant was not reported in population-based cohorts in the Genome Aggregation Database (gnomAD). This variant was determined to be de novo in at least one individual with features consistent with O'Donnell-Luria-Rodan syndrome (O'Donnell-Luria, 2019). Based on the available evidence, this alteration is classified as pathogenic.

Victorian Clinical Genetics Services, Murdoch Childrens Research Institute
Classification: Pathogenic for O'Donnell-Luria-Rodan syndrome. Last evaluated: 2024-10-10. Review status: criteria provided, single submitter. Criteria: ACMG Guidelines, 2015. Collection method: clinical testing. Allele origin: germline. Inheritance: Autosomal dominant inheritance. Affected: yes.
Comment: Based on the classification scheme VCGS_Germline_v1.3.4, this variant is classified as Pathogenic. Following criteria are met: 0102 - Loss of function is a known mechanism of disease in this gene and is associated with O'Donnell-Luria-Rodan syndrome (MIM#618512). (I) 0107 - This gene is associated with autosomal dominant disease. (I) 0201 - Variant is predicted to cause nonsense-mediated decay (NMD) and loss of protein (premature termination codon is located at least 54 nucleotides upstream of the final exon-exon junction). (SP) 0251 - This variant is heterozygous. (I) 0301 - Variant is absent from gnomAD (v2, v3 and v4). (SP) 0701 - Other NMD-predicted variants comparable to the one identified in this case have very strong previous evidence for pathogenicity (DECIPHER). (SP) 0801 - This variant has strong previous evidence of pathogenicity in unrelated individuals. This variant has been classified as pathogenic by multiple clinical laboratories in ClinVar and has been observed as de novo in two individuals with intellectual disability in the literature (PMID: 31079897). (SP) 1208 - Inheritance information for this variant is not currently available in this individual. (I) Legend: (SP) - Supporting pathogenic, (I) - Information, (SB) - Supporting benign

GeneDx
Classification: Pathogenic. Last evaluated: 2024-09-23. Review status: criteria provided, single submitter. Criteria: GeneDx Variant Classification Process June 2021. Collection method: clinical testing. Allele origin: germline. Affected: yes.
Comment: Frameshift variant predicted to result in protein truncation or nonsense mediated decay in a gene for which loss-of-function is a known mechanism of disease; Not observed at significant frequency in large population cohorts (gnomAD); This variant is associated with the following publications: (PMID: 33057194, 35982159, 31079897)

CeGaT Center for Human Genetics Tuebingen
Classification: Pathogenic. Last evaluated: 2023-05-01. Review status: criteria provided, single submitter. Criteria: CeGaT Center For Human Genetics Tuebingen Variant Classification Criteria Version 2. Collection method: clinical testing. Allele origin: germline. Affected: yes. Observed: 1 variant allele.
Comment: KMT2E: PVS1, PM2, PS4:Moderate, PM6:Supporting

Genetics Laboratory, UDIAT-Centre Diagnòstic, Hospital Universitari Parc Tauli
Classification: Pathogenic for O'Donnell-Luria-Rodan syndrome. Last evaluated: 2022-10-04. Review status: criteria provided, single submitter. Criteria: Parc Tauli Hospital Assertion Criteria 2021. Collection method: clinical testing. Allele origin: de novo. Inheritance: Autosomal dominant inheritance. Affected: yes.
Comment: PVS1;PS4_moderate;PM6;PM2_supporting

Institute for Medical Genetics and Human Genetics, Charité - Universitätsmedizin Berlin
Classification: Pathogenic for O'Donnell-Luria-Rodan syndrome. Last evaluated: 2022-09-27. Review status: criteria provided, single submitter. Criteria: ACMG Guidelines, 2015. Collection method: clinical testing. Allele origin: germline. Inheritance: Autosomal dominant inheritance. Affected: yes. Observed: 1 heterozygote.

Broad Center for Mendelian Genomics, Broad Institute of MIT and Harvard
Classification: Likely pathogenic. Last evaluated: 2019-02-07. Review status: criteria provided, single submitter. Criteria: ACMG Guidelines, 2015. Collection method: research. Allele origin: de novo. Inheritance: Autosomal dominant inheritance. Affected: yes. Clinical features observed: Macrocephaly, Developmental delay, Intellectual disability, Skin picking, Anxiety, Seizures, focal motor, tonic, Hypotonia, Hypertonia, Metopic ridge, Flat profile with malar hypoplasia, Upslanting eyes, Prominent nasal bridge short philtrum, and 11 more.
Comment: Trio exome analysis showed this variant to be de novo in both of the patients. The p.Lys593Argfs*17 variant in KMT2E has not been previously reported in individuals with intellectual disabilities or epilepsy and was absent from large population studies. This variant is predicted to cause a frameshift, which alters the proteinâ€™s amino acid sequence beginning at position 593 and leads to a premature termination codon 17 amino acids downstream. This alteration is then predicted to lead to a truncated or absent protein. This alteration is then predicted to lead to a truncated or absent protein. It is of note, that loss of function of the KMT2E gene in autosomal dominant disease has not yet been established based on the criteria laid out in Tayoun, 2018 (PMID: 30192042). In summary, although additional studies are required to fully establish its clinical significance, this variant is likely pathogenic.

Mendelics
Classification: Likely pathogenic for O'Donnell-Luria-Rodan syndrome. Last evaluated: 2024-11-15. Review status: no assertion criteria provided. Collection method: clinical testing. Allele origin: de novo. Affected: yes. Not counted in ClinVar's aggregate classification.

OMIM
Classification: Pathogenic for O'DONNELL-LURIA-RODAN SYNDROME. Last evaluated: 2019-07-25. Review status: no assertion criteria provided. Collection method: literature only. Allele origin: germline. Not counted in ClinVar's aggregate classification.

Literature cited by the submitters: PubMed 31079897 (cited by 4 submitters).

NM_182931.3(KMT2E):c.1776_1780del (p.Lys593fs)

Gene: KMT2E (lysine methyltransferase 2E (inactive); plus strand). Cytogenetic location: 7q22.3.
Variant type: Deletion.
Coding change: c.1776_1780del on transcript NM_182931.3 (MANE Select); coding-DNA positions 1776 to 1780, 5 bases deleted (AAAGA; older notation c.1776_1780delAAAGA).
Protein change: p.Lys593fs; shifts the reading frame from lysine 593.
Molecular consequence: frameshift variant.
Genome position (GRCh38, 1-based): chr7:105,101,478-105,101,482, AAAGA deleted; deleting any 5 consecutive bases within chr7:105,101,476-105,101,482 gives the same sequence; the c. name uses the placement nearest the transcript's 3' end. VCF-style (leftmost placement, unchanged base first): chr7-105101475-TGAAAA-T. GRCh37 (hg19) VCF-style: chr7-104741922-TGAAAA-T.
Other names: c.1776_1780delAAAGA (NM_182931.2); c.1776_1780del, p.Lys593fs (NM_018682.4); short protein forms K593fs.
Identifiers: ClinVar variation 617565 (VCV000617565.40), dbSNP rs1562927768, ClinGen allele CA913184799.
Genomic context (GRCh38, chr7:105,101,475, plus strand): 5'-AATTTCATAGACAAGAGAAGAAAGAAAAATGGAAGCAATTTTGCAAGCTTTTGCCAGACT[TGAAAA>T]GAGAGAGAAAAGAAGAGAACAAGCTTTGGAAAGGATCAGCACAGCCAAAACTGAAGTTAA-3'